The following is an entry in ClinVar:

NM_001377229.1(DISP1):c.2898G>A (p.Trp966Ter)

Gene: DISP1 (dispatched RND transporter family member 1; plus strand). Cytogenetic location: 1q41.
Variant type: single nucleotide variant.
Coding change: c.2898G>A on transcript NM_001377229.1 (MANE Select); coding-DNA position 2898, G replaced by A.
Protein change: p.Trp966Ter; replaces tryptophan 966 with a stop codon.
Molecular consequence: nonsense.
Genome position (GRCh38, 1-based): chr1:223,004,295, G>A. VCF-style: chr1-223004295-G-A. GRCh37 (hg19) VCF-style: chr1-223177637-G-A.
Other names: c.2169G>A, p.Trp723Ter (NM_001350630.2); c.2898G>A, p.Trp966Ter (NM_001369594.1, NM_001377228.1, NM_032890.5); short protein forms W966*, W723*.
Identifiers: ClinVar variation 235093 (VCV000235093.19), dbSNP rs749035153, ClinGen allele CA10581207.

ClinVar aggregate classification (germline): Uncertain significance. Review status: criteria provided, single submitter (1 of 4 stars). 2 submissions from 2 submitters: Uncertain significance (1). 1 of the submissions does not count toward it. Last evaluated 2024-07-01.

Conditions:
Microform holoprosencephaly. Identifiers: Orphanet 280200, MedGen C5393309, MONDO:0017219.

gnomAD v4.1: 1 of 1,614,138 alleles (0.000062%); no homozygotes.

Submissions (2):

CeGaT Center for Human Genetics Tuebingen
Classification: Uncertain significance. Last evaluated: 2024-07-01. Review status: criteria provided, single submitter. Criteria: CeGaT Center For Human Genetics Tuebingen Variant Classification Criteria Version 2. Collection method: clinical testing. Allele origin: germline. Affected: yes. Observed: 1 variant allele.
Comment: DISP1: PM2

Laboratory of Molecular Genetics, CHU Rennes
Classification: Likely pathogenic for microform holoprosencephaly. Last evaluated: 2016-04-13. Review status: flagged submission. Collection method: clinical testing. Allele origin: unknown. Affected: yes. Not counted in ClinVar's aggregate classification.
ClinVar note: Notes: Flagging candidate with reason of insufficient supporting evidence. This gene has been classified as having a limited gene-disease relationship by a ClinGen Expert Panel.
ClinVar note: Reason: Other